The following is an entry in ClinVar:

ClinVar aggregate classification (germline): Uncertain significance. Review status: criteria provided, multiple submitters, no conflicts (2 of 4 stars). 3 submissions from 3 submitters: Uncertain significance (2). 1 of the submissions does not count toward it. Last evaluated 2025-03-01.

Conditions:
Hereditary cancer-predisposing syndrome. Also called: Hereditary Cancer Syndrome; Tumor predisposition; Neoplastic Syndromes, Hereditary; Hereditary neoplastic syndrome. Identifiers: Orphanet 140162, MedGen C0027672, MeSH D009386, MONDO:0015356.
Tuberous sclerosis syndrome (TSC). Also called: Tuberous sclerosis; Tuberous Sclerosis Complex. Identifiers: Orphanet 805, MedGen C0041341, MONDO:0001734.

Submissions (3):

Ambry Genetics
Classification: Uncertain significance for Hereditary cancer-predisposing syndrome. Last evaluated: 2025-03-01. Review status: criteria provided, single submitter. Criteria: Ambry Variant Classification Scheme 2023. Collection method: clinical testing. Allele origin: germline.
Comment: The c.976-3C>G intronic variant results from a C to G substitution 3 nucleotides upstream from coding exon 10 in the TSC2 gene. This variant was reported in one individual with features consistent with tuberous sclerosis complex (Mayer K et al. Hum Mutat, 1999;14:401-11). One RNA study showed this variant resulted in the in-frame skipping of coding exon 10 and a novel acceptor gain predicted to result in nonsense-mediated mRNA decay (Mayer K et al. Biochim Biophys Acta, 2000 Nov;1502:495-507). This nucleotide position is well conserved in available vertebrate species. In silico splice site analysis predicts that this alteration will weaken the native splice acceptor site. Based on the available evidence, the clinical significance of this variant remains unclear.

Genomic Medicine Laboratory, Hospital de Clinicas de Porto Alegre
Classification: Uncertain significance for Tuberous sclerosis complex. Last evaluated: 2024-12-19. Review status: criteria provided, single submitter. Criteria: ACMG Guidelines, 2015. Collection method: research, in vitro. Allele origin: germline, not applicable. Inheritance: Autosomal dominant inheritance. Affected: yes. Observed: 1 variant allele. Functional consequence: function uncertain.
Comment: The variant c.976-3C>G is located at intron 10 of the TSC2 gene. Splice AI score for this variant was 0.60 for acceptor loss. The variant is not present in the population databases gnomAD, ExAC, and 1000 Genomes Project. In a cDNA analysis, no alteration in mRNA length, intron retention, or exon skipping were detected. ACMG criteria used to classify this variant: PM2 + PP3.

Tuberous sclerosis database (TSC2)
No classification provided. Condition: TSC. Review status: no classification provided. Criteria: Tuberous Sclerosis Database Assertion Criteria 2015. Collection method: curation. Allele origin: germline. Affected: yes. Not counted in ClinVar's aggregate classification.

Literature cited by the submitters: PubMed 10533066 (cited by Ambry Genetics); PubMed 11068191 (cited by Ambry Genetics).

NM_000548.5(TSC2):c.976-3C>G

Gene: TSC2 (TSC complex subunit 2; plus strand). Cytogenetic location: 16p13.3.
Variant type: single nucleotide variant.
Coding change: c.976-3C>G on transcript NM_000548.5 (MANE Select); 3 bases into the intron before coding-DNA position 976, C replaced by G.
Molecular consequence: intron variant.
Genome position (GRCh38, 1-based): chr16:2,060,667, C>G. VCF-style: chr16-2060667-C-G. GRCh37 (hg19) VCF-style: chr16-2110668-C-G.
Other names: c.976-3C>G (NM_001114382.3, NM_021055.3, NM_001370405.1 and 4 more transcripts); c.865-3C>G (NM_001318827.2); c.376-3C>G (NM_001318831.2); c.829-3C>G (NM_001318829.2); c.1009-3C>G (NM_001318832.2).
Identifiers: ClinVar variation 49904 (VCV000049904.4), dbSNP rs45517151, ClinGen allele CA023229.